The following is an entry in ClinVar:

ClinVar aggregate classification (germline): Benign. Review status: criteria provided, multiple submitters, no conflicts (2 of 4 stars). 4 submissions from 4 submitters: Benign (4). Last evaluated 2026-02-03.

Conditions:
Hereditary spastic paraplegia 30. Identifiers: Orphanet 101010, MedGen C5235139, MONDO:0012476.
Neuropathy, hereditary sensory, type 2C. Also called: Hereditary sensory and autonomic neuropathy type IIC; KIF1A-Related HSAN2 (HSAN2C). Identifiers: Orphanet 970, MedGen C3280168, MONDO:0013634, OMIM 614213.
Intellectual disability, autosomal dominant 9 (NESCAVS). Also called: NESCAV SYNDROME; KIF1A-Related Neurodevelopmental Disorder. Identifiers: Orphanet 662367, MedGen C5393830, MONDO:0013656, OMIM 614255.

Allele frequency attached by ClinVar (database versions not stated): gnomAD exomes 0.00470 and 0.01306; ESP Exome Variant Server 0.01802; ExAC 0.01932; TOPMed 0.02194; gnomAD 0.02239 and 0.02310; 1000 Genomes Project 30x 0.02389; 1000 Genomes Project 0.02716.
gnomAD v4.1: 10,494 of 1,571,790 alleles (0.67%); highest among the groups gnomAD compares: East Asian, 6.2%; 312 homozygotes.

Submissions (4):

Labcorp Genetics (formerly Invitae), Labcorp
Classification: Benign for Hereditary spastic paraplegia 30; Neuropathy, hereditary sensory, type 2C; Intellectual disability, autosomal dominant 9. Last evaluated: 2026-02-03. Review status: criteria provided, single submitter. Criteria: Invitae Variant Classification Sherloc (09022015). Collection method: clinical testing. Allele origin: germline.

Illumina Laboratory Services, Illumina
Classification: Benign for Spastic paraplegia 30A, autosomal dominant. Last evaluated: 2018-01-13. Review status: criteria provided, single submitter. Criteria: ICSL Variant Classification Criteria 13 December 2019. Collection method: clinical testing. Allele origin: germline.
Comment: This variant was observed in the ICSL laboratory as part of a predisposition screen in an ostensibly healthy population. It had not been previously curated by ICSL or reported in the Human Gene Mutation Database (HGMD: prior to June 1st, 2018), and was therefore a candidate for classification through an automated scoring system. Utilizing variant allele frequency, disease prevalence and penetrance estimates, and inheritance mode, an automated score was calculated to assess if this variant is too frequent to cause the disease. Based on the score and internal cut-off values, a variant classified as benign is not then subjected to further curation. The score for this variant resulted in a classification of benign for this disease.

GeneDx
Classification: Benign. Last evaluated: 2014-06-05. Review status: criteria provided, single submitter. Criteria: GeneDx Variant Classification (06012015). Collection method: clinical testing. Allele origin: germline. Affected: yes.
Comment: This variant is considered likely benign or benign based on one or more of the following criteria: it is a conservative change, it occurs at a poorly conserved position in the protein, it is predicted to be benign by multiple in silico algorithms, and/or has population frequency not consistent with disease.

Breakthrough Genomics
Classification: Benign. Review status: criteria provided, single submitter. Criteria: ACMG Guidelines, 2015. Collection method: not provided. Allele origin: germline. Inheritance: Autosomal recessive inheritance. Affected: yes.

NM_001244008.2(KIF1A):c.3901+11T>C

Genes: KIF1A (kinesin family member 1A; minus strand), LOC126806583 (P300/CBP strongly-dependent group 1 enhancer GRCh37_chr2:241678910-241680109; plus strand). Cytogenetic location: 2q37.3.
Variant type: single nucleotide variant.
Coding change: c.3901+11T>C on transcript NM_001244008.2 (MANE Select); 11 bases into the intron after coding-DNA position 3901, T replaced by C.
Molecular consequence: intron variant.
Genome position (GRCh38, 1-based): chr2:240,740,047, A>G on the plus strand (T>C on the coding strand, the complement: KIF1A is on the minus strand). VCF-style: chr2-240740047-A-G. GRCh37 (hg19) VCF-style: chr2-241679464-A-G.
Other names: c.3598+11T>C (NM_001379653.1, NM_001379650.1, NM_001379641.1 and 5 more transcripts); c.3874+11T>C (NM_001379645.1, NM_001379633.1, NM_001379642.1); c.3700+11T>C (NM_001379635.1, NM_001330290.2, NM_001379646.1 and 1 more transcripts); c.3595+11T>C (NM_001379640.1); c.3850+11T>C (NM_001379632.1); c.3673+11T>C (NM_001379637.1, NM_001379648.1); c.3625+11T>C (NM_001320705.2, NM_001379638.1, NM_001330289.2); c.3976+11T>C (NM_001379631.1).
Identifiers: ClinVar variation 138058 (VCV000138058.14), dbSNP rs56847463, ClinGen allele CA291857.
Genomic context (GRCh38, chr2:240,740,047, plus strand): 5'-CCAGCTCAGGGCCTGTACTCTTCCCACCAGCTCAGCCCCACCCACCAAGGCAGCCCCCAC[A>G]CCGCACTCACCCACGACCAGCTCGCGCACTTCCTTCCAGCGGATATGGCTGCCTGTCTCA-3'